The following is an entry in ClinVar:

ClinVar aggregate classification (germline): Uncertain significance. Review status: criteria provided, multiple submitters, no conflicts (2 of 4 stars). 2 submissions from 2 submitters: Uncertain significance (2). Last evaluated 2025-11-03.

Conditions:
KMT2D-related disorder. Also called: KMT2D-Related Disorders.
Inborn genetic diseases. Identifiers: MedGen C0950123, MeSH D030342.

Allele frequency attached by ClinVar (database versions not stated): gnomAD exomes below 0.00001; TOPMed below 0.00001.
gnomAD v4.1: 6 of 1,613,806 alleles (0.00037%); highest among the groups gnomAD compares: Non-Finnish European, 0.00042%; no homozygotes.

Submissions (2):

PreventionGenetics, part of Exact Sciences
Classification: Uncertain significance for KMT2D-related condition. Last evaluated: 2025-11-03. Review status: criteria provided, single submitter. Criteria: ACMG Guidelines, 2015. Collection method: clinical testing. Allele origin: germline.
Comment: The KMT2D c.14545A>G variant is predicted to result in the amino acid substitution p.Ser4849Gly. To our knowledge, this variant has not been reported in the literature or in a large population database (gnomAD), indicating this variant is rare. Although we suspect that this variant may be benign, at this time, the clinical significance of this variant is uncertain due to the absence of conclusive functional and genetic evidence.

Ambry Genetics
Classification: Uncertain significance for Inborn genetic diseases. Last evaluated: 2023-01-23. Review status: criteria provided, single submitter. Criteria: Ambry Variant Classification Scheme 2023. Collection method: clinical testing. Allele origin: germline.

NM_003482.4(KMT2D):c.14545A>G (p.Ser4849Gly)

Gene: KMT2D (lysine methyltransferase 2D; minus strand). Cytogenetic location: 12q13.12.
Variant type: single nucleotide variant.
Coding change: c.14545A>G on transcript NM_003482.4 (MANE Select); coding-DNA position 14545, A replaced by G.
Protein change: p.Ser4849Gly; replaces serine 4849 with glycine.
Molecular consequence: missense variant.
Genome position (GRCh38, 1-based): chr12:49,027,901, T>C on the plus strand (A>G on the coding strand, the complement: KMT2D is on the minus strand). VCF-style: chr12-49027901-T-C. GRCh37 (hg19) VCF-style: chr12-49421684-T-C.
Other names: short protein forms S4849G.
Identifiers: ClinVar variation 2477895 (VCV002477895.3), dbSNP rs1592108350, ClinGen allele CA384694517.